The following is an entry in ClinVar:

ClinVar aggregate classification (germline): Uncertain significance (1 of 4 stars; one submission).

Conditions:
Spastic paraplegia. Identifiers: MedGen C0037772, HP:0001258.

Allele frequency attached by ClinVar (database versions not stated): TOPMed below 0.00001.

Submission:

Labcorp Genetics (formerly Invitae), Labcorp
Classification: Uncertain significance for Spastic paraplegia. Last evaluated: 2020-06-26. Review status: criteria provided, single submitter. Criteria: Invitae Variant Classification Sherloc (09022015). Collection method: clinical testing. Allele origin: germline.
Comment: This sequence change replaces glycine with arginine at codon 383 of the B4GALNT1 protein (p.Gly383Arg). The glycine residue is highly conserved and there is a moderate physicochemical difference between glycine and arginine. This variant is not present in population databases (ExAC no frequency). This variant has been observed in individual(s) with clinical features of hereditary spastic paraplegia (Invitae). ClinVar contains an entry for this variant (Variation ID: 458220). Algorithms developed to predict the effect of missense changes on protein structure and function (SIFT, PolyPhen-2, Align-GVGD) all suggest that this variant is likely to be disruptive, but these predictions have not been confirmed by published functional studies and their clinical significance is uncertain. In summary, the available evidence is currently insufficient to determine the role of this variant in disease. Therefore, it has been classified as a Variant of Uncertain Significance.

NM_001478.5(B4GALNT1):c.1147G>C (p.Gly383Arg)

Gene: B4GALNT1 (beta-1,4-N-acetyl-galactosaminyltransferase 1; minus strand). Cytogenetic location: 12q13.3.
Variant type: single nucleotide variant.
Coding change: c.1147G>C on transcript NM_001478.5 (MANE Select); coding-DNA position 1147, G replaced by C.
Protein change: p.Gly383Arg; replaces glycine 383 with arginine.
Molecular consequence: missense variant.
Genome position (GRCh38, 1-based): chr12:57,627,855, C>G on the plus strand (G>C on the coding strand, the complement: B4GALNT1 is on the minus strand). VCF-style: chr12-57627855-C-G. GRCh37 (hg19) VCF-style: chr12-58021638-C-G.
Other names: c.982G>C, p.Gly328Arg (NM_001276468.2); short protein forms G383R, G328R.
Identifiers: ClinVar variation 458220 (VCV000458220.8), dbSNP rs952948389, ClinGen allele CA237790376.
Genomic context (GRCh38, chr12:57,627,855, plus strand): 5'-CCACGCTCAGCAGCTGCCGATAAGTGGTGGCAAAGCCGGAGATCTCGCGCACCGCGCCCC[C>G]CACCTGCAGGGAGAGGGAGGTTGCCTCCAGGCGGGCCTGGGATAGGGGACCCGAAGGGGT-3'
Protein context (NP_001469.1, residues 373-393): VLERTPLDLV[Gly383Arg]GAVREISGFA